The following is an entry in ClinVar:

NM_006158.5(NEFL):c.690G>C (p.Glu230Asp)

Gene: NEFL (neurofilament light chain; minus strand). Cytogenetic location: 8p21.2.
Variant type: single nucleotide variant.
Coding change: c.690G>C on transcript NM_006158.5 (MANE Select); coding-DNA position 690, G replaced by C.
Protein change: p.Glu230Asp; replaces glutamic acid 230 with aspartic acid.
Molecular consequence: missense variant.
Genome position (GRCh38, 1-based): chr8:24,955,826, C>G on the plus strand (G>C on the coding strand, the complement: NEFL is on the minus strand). VCF-style: chr8-24955826-C-G. GRCh37 (hg19) VCF-style: chr8-24813340-C-G.
Other names: c.690G>C (NM_006158.4); short protein forms E230D.
Identifiers: ClinVar variation 1513738 (VCV001513738.8), dbSNP rs750224223, ClinGen allele CA4681455.
Genomic context (GRCh38, chr8:24,955,826, plus strand): 5'-GGTCACGTCCATCTCCACGGAGATCTGCGCGTACTGGATCTGCGCCTGCAGTTCGGCGAT[C>G]TCCTCTTCGTGCACTTTCTTCAGAAAAGAGATTTCGTCCATCAAGCTGTCGATGCGCTTC-3'
Protein context (NP_006149.2, residues 220-240): ISFLKKVHEE[Glu230Asp]IAELQAQIQY

ClinVar aggregate classification (germline): Uncertain significance (1 of 4 stars; one submission).

Conditions:
Charcot-Marie-Tooth disease type 1F. Also called: CHARCOT-MARIE-TOOTH NEUROPATHY, TYPE 1F; Charcot-Marie-Tooth disease, demyelinating, type 1f. Identifiers: Orphanet 101085, MedGen C1843164, MONDO:0011902, OMIM 607734.
Charcot-Marie-Tooth disease type 2E (CMT2E). Also called: CHARCOT-MARIE-TOOTH DISEASE, AXONAL, TYPE 2E; CHARCOT-MARIE-TOOTH NEUROPATHY, TYPE 2E. Identifiers: Orphanet 99939, MedGen C1843225, MONDO:0011894, OMIM 607684.

Allele frequency attached by ClinVar (database versions not stated): TOPMed below 0.00001; ExAC 0.00001; gnomAD 0.00001; gnomAD exomes 0.00001.

Submission:

Labcorp Genetics (formerly Invitae), Labcorp
Classification: Uncertain significance for Charcot-Marie-Tooth disease type 2E. Last evaluated: 2021-02-27. Review status: criteria provided, single submitter. Criteria: Invitae Variant Classification Sherloc (09022015). Collection method: clinical testing. Allele origin: germline.
Comment: In summary, the available evidence is currently insufficient to determine the role of this variant in disease. Therefore, it has been classified as a Variant of Uncertain Significance. Experimental studies and prediction algorithms are not available or were not evaluated, and the functional significance of this variant is currently unknown. This variant has not been reported in the literature in individuals with NEFL-related conditions. This variant is present in population databases (rs750224223, ExAC 0.009%). This sequence change replaces glutamic acid with aspartic acid at codon 230 of the NEFL protein (p.Glu230Asp). The glutamic acid residue is highly conserved and there is a small physicochemical difference between glutamic acid and aspartic acid.